The following is an entry in ClinVar:

ClinVar aggregate classification (germline): Conflicting classifications of pathogenicity. Review status: criteria provided, conflicting classifications (1 of 4 stars). 4 submissions from 4 submitters: Uncertain significance (1); Likely benign (3). Last evaluated 2026-01-19.

Conditions:
GALE-related disorder. Also called: GALE-related condition.
UDPglucose-4-epimerase deficiency. Also called: Galactose epimerase deficiency; UDP-GALACTOSE-4-EPIMERASE DEFICIENCY; UDPglucose 4-Epimerase Deficiency Disease; GALACTOSEMIA III; GALE DEFICIENCY; Epimerase Deficiency Galactosemia. Identifiers: Orphanet 352, Orphanet 79238, MedGen C0751161, MONDO:0009257, OMIM 230350.

Allele frequency attached by ClinVar (database versions not stated): gnomAD 0.00029 and 0.00032; gnomAD exomes 0.00039 and 0.00068; TOPMed 0.00045; ExAC 0.00046; 1000 Genomes Project 0.00060; 1000 Genomes Project 30x 0.00062; ESP Exome Variant Server 0.00077.

Submissions (4):

Labcorp Genetics (formerly Invitae), Labcorp
Classification: Likely benign for UDPglucose-4-epimerase deficiency. Last evaluated: 2026-01-19. Review status: criteria provided, single submitter. Criteria: Invitae Variant Classification Sherloc (09022015). Collection method: clinical testing. Allele origin: germline.

PreventionGenetics, part of Exact Sciences
Classification: Likely benign for GALE-related condition. Last evaluated: 2025-12-05. Review status: criteria provided, single submitter. Criteria: ACMG Guidelines, 2015. Collection method: clinical testing. Allele origin: germline.
Comment: This variant is classified as likely benign based on ACMG/AMP sequence variant interpretation guidelines (Richards et al. 2015 PMID: 25741868, with internal and published modifications).

Blueprint Genetics
Classification: Likely benign. Last evaluated: 2024-11-23. Review status: criteria provided, single submitter. Criteria: ACMG Guidelines, 2015. Collection method: clinical testing. Allele origin: germline.

Illumina Laboratory Services, Illumina
Classification: Uncertain significance for UDPglucose-4-epimerase deficiency. Last evaluated: 2018-01-12. Review status: criteria provided, single submitter. Criteria: ICSL Variant Classification Criteria 13 December 2019. Collection method: clinical testing. Allele origin: germline.

NM_001008216.2(GALE):c.369G>A (p.Gly123=)

Gene: GALE (UDP-galactose-4-epimerase; minus strand). Cytogenetic location: 1p36.11.
Variant type: single nucleotide variant.
Coding change: c.369G>A on transcript NM_001008216.2 (MANE Select); coding-DNA position 369, G replaced by A.
Protein change: p.Gly123=; no amino-acid change (glycine 123 retained).
Molecular consequence: synonymous variant.
Genome position (GRCh38, 1-based): chr1:23,797,854, C>T on the plus strand (G>A on the coding strand, the complement: GALE is on the minus strand). VCF-style: chr1-23797854-C-T. GRCh37 (hg19) VCF-style: chr1-24124344-C-T.
Other names: c.369G>A, p.Gly123= (NM_000403.4, NM_001127621.2).
Identifiers: ClinVar variation 296836 (VCV000296836.17), dbSNP rs138148991, ClinGen allele CA685678.